The following is an entry in ClinVar:

ClinVar aggregate classification (germline): Uncertain significance (1 of 4 stars; one submission).

Conditions:
Brown-Vialetto-van Laere syndrome 2. Also called: Riboflavin transporter deficiency type 2; SPINOCEREBELLAR ATAXIA WITH BLINDNESS AND DEAFNESS 2. Identifiers: Orphanet 572543, Orphanet 97229, MedGen C3553538, MONDO:0013867, OMIM 614707.

Allele frequency attached by ClinVar (database versions not stated): gnomAD exomes 0.00001.

Submission:

Labcorp Genetics (formerly Invitae), Labcorp
Classification: Uncertain significance for Brown-Vialetto-van Laere syndrome 2. Last evaluated: 2023-11-14. Review status: criteria provided, single submitter. Criteria: Invitae Variant Classification Sherloc (09022015). Collection method: clinical testing. Allele origin: germline.
Comment: This sequence change replaces cysteine, which is neutral and slightly polar, with tyrosine, which is neutral and polar, at codon 126 of the SLC52A2 protein (p.Cys126Tyr). This variant is not present in population databases (gnomAD no frequency). This variant has not been reported in the literature in individuals affected with SLC52A2-related conditions. ClinVar contains an entry for this variant (Variation ID: 1462730). Advanced modeling of protein sequence and biophysical properties (such as structural, functional, and spatial information, amino acid conservation, physicochemical variation, residue mobility, and thermodynamic stability) performed at Invitae indicates that this missense variant is expected to disrupt SLC52A2 protein function with a positive predictive value of 80%. In summary, the available evidence is currently insufficient to determine the role of this variant in disease. Therefore, it has been classified as a Variant of Uncertain Significance.

NM_001363118.2(SLC52A2):c.377G>A (p.Cys126Tyr)

Gene: SLC52A2 (solute carrier family 52 member 2; plus strand). Cytogenetic location: 8q24.3.
Variant type: single nucleotide variant.
Coding change: c.377G>A on transcript NM_001363118.2 (MANE Select); coding-DNA position 377, G replaced by A.
Protein change: p.Cys126Tyr; replaces cysteine 126 with tyrosine.
Molecular consequence: missense variant. On other transcripts: non-coding transcript variant (1), intron variant (1).
Genome position (GRCh38, 1-based): chr8:144,359,869, G>A. VCF-style: chr8-144359869-G-A. GRCh37 (hg19) VCF-style: chr8-145583529-G-A.
Other names: c.377G>A, p.Cys126Tyr (NM_001253815.2, NM_001253816.2, NM_001363120.2 and 2 more transcripts); c.131-246G>A (NM_001363122.2); short protein forms C126Y.
Identifiers: ClinVar variation 1462730 (VCV001462730.6), dbSNP rs998301770, ClinGen allele CA187657056.